The following is an entry in ClinVar:

ClinVar aggregate classification (germline): Uncertain significance (1 of 4 stars; one submission).

Conditions:
Inborn genetic diseases. Identifiers: MedGen C0950123, MeSH D030342.

Submission:

Ambry Genetics
Classification: Uncertain significance for Inborn genetic diseases. Last evaluated: 2025-02-05. Review status: criteria provided, single submitter. Criteria: Ambry Variant Classification Scheme 2023. Collection method: clinical testing. Allele origin: germline.
Comment: The p.A785P variant (also known as c.2353G>C), located in coding exon 26 of the FANCA gene, results from a G to C substitution at nucleotide position 2353. The alanine at codon 785 is replaced by proline, an amino acid with highly similar properties. This amino acid position is conserved. In addition, this alteration is predicted to be deleterious by in silico analysis. Based on the available evidence, the clinical significance of this variant remains unclear.

NM_000135.4(FANCA):c.2353G>C (p.Ala785Pro)

Gene: FANCA (FA complementation group A; minus strand). Cytogenetic location: 16q24.3.
Variant type: single nucleotide variant.
Coding change: c.2353G>C on transcript NM_000135.4 (MANE Select); coding-DNA position 2353, G replaced by C.
Protein change: p.Ala785Pro; replaces alanine 785 with proline.
Molecular consequence: missense variant.
Genome position (GRCh38, 1-based): chr16:89,769,988, C>G on the plus strand (G>C on the coding strand, the complement: FANCA is on the minus strand). VCF-style: chr16-89769988-C-G. GRCh37 (hg19) VCF-style: chr16-89836396-C-G.
Other names: c.2353G>C, p.Ala785Pro (NM_001286167.3); short protein forms A785P.
Identifiers: ClinVar variation 3848192 (VCV003848192.1).